The following is an entry in ClinVar:

ClinVar aggregate classification (germline): Pathogenic. Review status: criteria provided, multiple submitters, no conflicts (2 of 4 stars). 4 submissions from 4 submitters: Pathogenic (4). Last evaluated 2024-06-24.

Conditions:
Neuromuscular disease caused by qualitative or quantitative defects of dysferlin. Also called: Qualitative or quantitative defects of dysferlin; Dysferlinopathy. Identifiers: Orphanet 207073, MedGen C2931687, MONDO:0016145.
Miyoshi muscular dystrophy 1 (MMD1). Identifiers: Orphanet 45448, MedGen C4551973, MONDO:0024545, OMIM 254130.

Allele frequency attached by ClinVar (database versions not stated): gnomAD exomes below 0.00001.
gnomAD v4.1: 5 of 1,614,040 alleles (0.00031%); highest among the groups gnomAD compares: Non-Finnish European, 0.00034%; no homozygotes.

Submissions (4):

GeneDx
Classification: Pathogenic. Last evaluated: 2024-06-24. Review status: criteria provided, single submitter. Criteria: GeneDx Variant Classification Process June 2021. Collection method: clinical testing. Allele origin: germline. Affected: yes.
Comment: Nonsense variant predicted to result in protein truncation or nonsense mediated decay in a gene for which loss of function is a known mechanism of disease; Not observed at significant frequency in large population cohorts (gnomAD); This variant is associated with the following publications: (PMID: 25525159, Oh2005[Case Report], 20497525, 36672942, 16891820)

Baylor Genetics
Classification: Pathogenic for Miyoshi muscular dystrophy 1. Last evaluated: 2024-01-18. Review status: criteria provided, single submitter. Criteria: ACMG Guidelines, 2015. Collection method: clinical testing. Allele origin: unknown.

Labcorp Genetics (formerly Invitae), Labcorp
Classification: Pathogenic for Neuromuscular disease caused by qualitative or quantitative defects of dysferlin. Last evaluated: 2023-06-02. Review status: criteria provided, single submitter. Criteria: Invitae Variant Classification Sherloc (09022015). Collection method: clinical testing. Allele origin: germline.
Comment: This variant is not present in population databases (gnomAD no frequency). This sequence change creates a premature translational stop signal (p.Lys1103*) in the DYSF gene. It is expected to result in an absent or disrupted protein product. Loss-of-function variants in DYSF are known to be pathogenic (PMID: 17698709, 20301480). For these reasons, this variant has been classified as Pathogenic. ClinVar contains an entry for this variant (Variation ID: 597804). This premature translational stop signal has been observed in individual(s) with Miyoshi myopathy (PMID: 16891820).

Eurofins Ntd Llc (ga)
Classification: Pathogenic. Last evaluated: 2018-06-28. Review status: criteria provided, single submitter. Criteria: EGL ClinVar v180209 classification definitions. Collection method: clinical testing. Allele origin: germline. Observed: 1 variant allele, 1 heterozygote.

Literature cited by the submitters: PubMed 17698709 (cited by Labcorp Genetics (formerly Invitae), Labcorp); PubMed 20301480 (cited by Labcorp Genetics (formerly Invitae), Labcorp); PubMed 16891820 (cited by Labcorp Genetics (formerly Invitae), Labcorp and Eurofins Ntd Llc (ga)); PubMed 20497525 (cited by Eurofins Ntd Llc (ga)).

NM_001130987.2(DYSF):c.3361A>T (p.Lys1121Ter)

Gene: DYSF (dysferlin; plus strand). Cytogenetic location: 2p13.2.
Variant type: single nucleotide variant.
Coding change: c.3361A>T on transcript NM_001130987.2 (MANE Select); coding-DNA position 3361, A replaced by T.
Protein change: p.Lys1121Ter; replaces lysine 1121 with a stop codon.
Molecular consequence: nonsense.
Genome position (GRCh38, 1-based): chr2:71,574,330, A>T. VCF-style: chr2-71574330-A-T. GRCh37 (hg19) VCF-style: chr2-71801460-A-T.
Other names: c.3310A>T, p.Lys1104Ter (NM_001130455.2, NM_001130983.2); c.3265A>T, p.Lys1089Ter (NM_001130976.2, NM_001130977.2); c.3307A>T, p.Lys1103Ter (NM_001130978.2, NM_003494.4); c.3400A>T, p.Lys1134Ter (NM_001130979.2); c.3358A>T, p.Lys1120Ter (NM_001130980.2, NM_001130981.2); c.3403A>T, p.Lys1135Ter (NM_001130982.2); c.3268A>T, p.Lys1090Ter (NM_001130984.2, NM_001130986.2); c.3361A>T, p.Lys1121Ter (NM_001130985.2); and 1 more; short protein forms K1103*, K1121*, K1134*, K1090*, K1120*, K1089*, K1135*, K1104*.
Identifiers: ClinVar variation 597804 (VCV000597804.10), dbSNP rs1558513494, ClinGen allele CA347218361.
Genomic context (GRCh38, chr2:71,574,330, plus strand): 5'-TACCGCAAGACAGATGCCTTCCGCCGCCGCCGCTGGCGCCGTCGCATGGAGCCACTGGAG[A>T]AGACGGGGCCTGCAGCTGTGTTTGCCCTTGAGGGGGCCCTGGTATGTGGGGCTGCACTTG-3'